The following is an entry in ClinVar:

ClinVar aggregate classification (germline): Benign (1 of 4 stars; one submission).

Conditions:
Sialuria. Also called: SIALURIA, FRENCH TYPE; Sialic Acid Storage Disease. Identifiers: Orphanet 3166, MedGen C0342853, MONDO:0010028, OMIM 269921.

Allele frequency attached by ClinVar (database versions not stated): gnomAD 0.00026 and 0.00042; TOPMed 0.00062; 1000 Genomes Project 0.00280; 1000 Genomes Project 30x 0.00297.
gnomAD v4.1: 64 of 152,242 alleles (0.042%); highest among the groups gnomAD compares: East Asian, 1%; no homozygotes.

Submission:

Illumina Laboratory Services, Illumina
Classification: Benign for Sialuria. Last evaluated: 2018-01-13. Review status: criteria provided, single submitter. Criteria: ICSL Variant Classification Criteria 13 December 2019. Collection method: clinical testing. Allele origin: germline.
Comment: This variant was observed in the ICSL laboratory as part of a predisposition screen in an ostensibly healthy population. It had not been previously curated by ICSL or reported in the Human Gene Mutation Database (HGMD: prior to June 1st, 2018), and was therefore a candidate for classification through an automated scoring system. Utilizing variant allele frequency, disease prevalence and penetrance estimates, and inheritance mode, an automated score was calculated to assess if this variant is too frequent to cause the disease. Based on the score and internal cut-off values, a variant classified as benign is not then subjected to further curation. The score for this variant resulted in a classification of benign for this disease.

NM_005476.7(GNE):c.*2789G>A

Gene: GNE (glucosamine (UDP-N-acetyl)-2-epimerase/N-acetylmannosamine kinase; minus strand). Cytogenetic location: 9p13.3.
Variant type: single nucleotide variant.
Coding change: c.*2789G>A on transcript NM_005476.7 (MANE Select); 2789 bases downstream of the stop codon, G replaced by A.
Molecular consequence: 3 prime UTR variant.
Genome position (GRCh38, 1-based): chr9:36,214,576, C>T on the plus strand (G>A on the coding strand, the complement: GNE is on the minus strand). VCF-style: chr9-36214576-C-T. GRCh37 (hg19) VCF-style: chr9-36214573-C-T.
Other names: c.*2789G>A (NM_001128227.3, NM_001190383.3, NM_001190384.3 and 3 more transcripts).
Identifiers: ClinVar variation 366797 (VCV000366797.6), dbSNP rs140396892, ClinGen allele CA10627312.